The following is an entry in ClinVar:

ClinVar aggregate classification (germline): Likely benign. Review status: criteria provided, single submitter (1 of 4 stars). 2 submissions from 2 submitters: Likely benign (1). 1 of the submissions does not count toward it. Last evaluated 2026-01-13.

Conditions:
Autosomal recessive polycystic kidney disease (ARPKD). Also called: AR polycystic kidney disease. Identifiers: Orphanet 731, Orphanet 8378, MedGen C0085548, MeSH D017044, MONDO:0009889.
PKHD1-related disorder. Also called: PKHD1-related condition.

Allele frequency attached by ClinVar (database versions not stated): gnomAD 0.00001; TOPMed 0.00003; ExAC 0.00010; gnomAD exomes 0.00010.
gnomAD v4.1: 60 of 1,449,738 alleles (0.0041%); highest among the groups gnomAD compares: Admixed American, 0.042%; no homozygotes.

Submissions (2):

Labcorp Genetics (formerly Invitae), Labcorp
Classification: Likely benign for Autosomal recessive polycystic kidney disease. Last evaluated: 2026-01-13. Review status: criteria provided, single submitter. Criteria: Invitae Variant Classification Sherloc (09022015). Collection method: clinical testing. Allele origin: germline.

PreventionGenetics, part of Exact Sciences
Classification: Likely benign for PKHD1-related condition. Last evaluated: 2023-04-13. Review status: no assertion criteria provided. Collection method: clinical testing. Allele origin: germline. Not counted in ClinVar's aggregate classification.
Comment: This variant is classified as likely benign based on ACMG/AMP sequence variant interpretation guidelines (Richards et al. 2015 PMID: 25741868, with internal and published modifications).

NM_138694.4(PKHD1):c.528-9T>A

Gene: PKHD1 (PKHD1 ciliary IPT domain containing fibrocystin/polyductin; minus strand). Cytogenetic location: 6p12.2.
Variant type: single nucleotide variant.
Coding change: c.528-9T>A on transcript NM_138694.4 (MANE Select); 9 bases into the intron before coding-DNA position 528, T replaced by A.
Molecular consequence: intron variant.
Genome position (GRCh38, 1-based): chr6:52,072,198, A>T on the plus strand (T>A on the coding strand, the complement: PKHD1 is on the minus strand). VCF-style: chr6-52072198-A-T. GRCh37 (hg19) VCF-style: chr6-51936996-A-T.
Other names: c.528-9T>A (NM_170724.3).
Identifiers: ClinVar variation 698188 (VCV000698188.13), dbSNP rs765406968, ClinGen allele CA3853883.